The following is an entry in ClinVar:

NM_207122.2(EXT2):c.-31+7G>T

Genes: EXT2 (exostosin glycosyltransferase 2; plus strand), LOC130005598 (ATAC-STARR-seq lymphoblastoid silent region 3272; plus strand). Cytogenetic location: 11p11.2.
Variant type: single nucleotide variant.
Coding change: c.-31+7G>T on transcript NM_207122.2 (MANE Select); 7 bases into the intron after 31 bases upstream of the start codon, G replaced by T.
Molecular consequence: intron variant.
Genome position (GRCh38, 1-based): chr11:44,095,859, G>T. VCF-style: chr11-44095859-G-T. GRCh37 (hg19) VCF-style: chr11-44117409-G-T.
Other names: c.-70+7G>T (NM_001389630.1); c.-31+7G>T (NM_001178083.3).
Identifiers: ClinVar variation 304569 (VCV000304569.11), dbSNP rs58861092, ClinGen allele CA10634837.

ClinVar aggregate classification (germline): Benign. Review status: criteria provided, multiple submitters, no conflicts (2 of 4 stars). 4 submissions from 4 submitters: Benign (4). Last evaluated 2020-06-25.

Conditions:
Exostoses, multiple, type 2 (EXT2). Also called: Hereditary Multiple Osteochondromatosis, Type II; EXOSTOSES, MULTIPLE, TYPE II. Identifiers: Orphanet 321, MedGen C1851413, MONDO:0007586, OMIM 133701.

Allele frequency attached by ClinVar (database versions not stated): 1000 Genomes Project 30x 0.08526; 1000 Genomes Project 0.08586; TOPMed 0.08606; gnomAD exomes 0.08785; gnomAD 0.08791.
gnomAD v4.1: 15,975 of 181,534 alleles (8.8%); highest among the groups gnomAD compares: South Asian, 13%; 847 homozygotes.

Submissions (4):

Dubai Health Genomic Medicine Center, Dubai Health
Classification: Benign. Last evaluated: 2020-06-25. Review status: criteria provided, single submitter. Criteria: ACMG Guidelines, 2015. Collection method: clinical testing. Allele origin: germline. Affected: yes.

GeneDx
Classification: Benign. Last evaluated: 2018-12-09. Review status: criteria provided, single submitter. Criteria: GeneDx Variant Classification Process June 2021. Collection method: clinical testing. Allele origin: germline. Affected: yes.

Illumina Laboratory Services, Illumina
Classification: Benign for Exostoses, multiple, type 2. Last evaluated: 2018-01-13. Review status: criteria provided, single submitter. Criteria: ICSL Variant Classification Criteria 13 December 2019. Collection method: clinical testing. Allele origin: germline.
Comment: This variant was observed in the ICSL laboratory as part of a predisposition screen in an ostensibly healthy population. It had not been previously curated by ICSL or reported in the Human Gene Mutation Database (HGMD: prior to June 1st, 2018), and was therefore a candidate for classification through an automated scoring system. Utilizing variant allele frequency, disease prevalence and penetrance estimates, and inheritance mode, an automated score was calculated to assess if this variant is too frequent to cause the disease. Based on the score and internal cut-off values, a variant classified as benign is not then subjected to further curation. The score for this variant resulted in a classification of benign for this disease.

Breakthrough Genomics
Classification: Benign. Review status: criteria provided, single submitter. Criteria: ACMG Guidelines, 2015. Collection method: not provided. Allele origin: germline. Inheritance: Autosomal recessive inheritance. Affected: yes.